The following is an entry in ClinVar:

NM_000020.3(ACVRL1):c.73A>T (p.Lys25Ter)

Gene: ACVRL1 (activin A receptor like type 1; plus strand). Cytogenetic location: 12q13.13.
Variant type: single nucleotide variant.
Coding change: c.73A>T on transcript NM_000020.3 (MANE Select); coding-DNA position 73, A replaced by T.
Protein change: p.Lys25Ter; replaces lysine 25 with a stop codon.
Molecular consequence: nonsense.
Genome position (GRCh38, 1-based): chr12:51,913,110, A>T. VCF-style: chr12-51913110-A-T. GRCh37 (hg19) VCF-style: chr12-52306894-A-T.
Other names: c.73A>T, p.Lys25Ter (NM_001077401.2, NM_001406487.1, NM_001406488.1 and 6 more transcripts); short protein forms K25*.
Identifiers: ClinVar variation 1758713 (VCV001758713.2), dbSNP rs2540158136, ClinGen allele CA384897391.

ClinVar aggregate classification (germline): Pathogenic (1 of 4 stars; one submission).

Conditions:
Cardiovascular phenotype. Identifiers: MedGen CN230736.

Submission:

Ambry Genetics
Classification: Pathogenic for Cardiovascular phenotype. Last evaluated: 2018-04-09. Review status: criteria provided, single submitter. Criteria: Ambry Variant Classification Scheme 2023. Collection method: clinical testing. Allele origin: germline.
Comment: The p.K25* pathogenic mutation (also known as c.73A>T), located in coding exon 2 of the ACVRL1 gene, results from an A to T substitution at nucleotide position 73. This changes the amino acid from a lysine to a stop codon within coding exon 2. This alteration is expected to result in loss of function by premature protein truncation or nonsense-mediated mRNA decay. As such, this alteration is interpreted as a disease-causing mutation.